The following is an entry in ClinVar:

NM_182961.4(SYNE1):c.22834A>G (p.Lys7612Glu)

Gene: SYNE1 (spectrin repeat containing nuclear envelope protein 1; minus strand). Cytogenetic location: 6q25.2.
Variant type: single nucleotide variant.
Coding change: c.22834A>G on transcript NM_182961.4 (MANE Select); coding-DNA position 22834, A replaced by G.
Protein change: p.Lys7612Glu; replaces lysine 7612 with glutamic acid.
Molecular consequence: missense variant.
Genome position (GRCh38, 1-based): chr6:152,206,353, T>C on the plus strand (A>G on the coding strand, the complement: SYNE1 is on the minus strand). VCF-style: chr6-152206353-T-C. GRCh37 (hg19) VCF-style: chr6-152527488-T-C.
Other names: c.22621A>G, p.Lys7541Glu (NM_033071.5); short protein forms K7541E, K7612E.
Identifiers: ClinVar variation 1504266 (VCV001504266.5), dbSNP rs1434935687, ClinGen allele CA366095255.

ClinVar aggregate classification (germline): Uncertain significance (1 of 4 stars; one submission).

Conditions:
Autosomal recessive ataxia, Beauce type. Also called: SYNE1-Related Autosomal Recessive Cerebellar Ataxia; Spinocerebellar ataxia, autosomal recessive 8; ATAXIA, RECESSIVE, OF BEAUCE; SYNE1 Deficiency. Identifiers: Orphanet 88644, MedGen C1853116, MONDO:0012549, OMIM 610743.
Emery-Dreifuss muscular dystrophy 4, autosomal dominant (EDMD4). Also called: EMERY-DREIFUSS MUSCULAR DYSTROPHY 4 WITH VARIABLE FEATURES. Identifiers: Orphanet 261, MedGen C2751807, MONDO:0013071, OMIM 612998.

Allele frequency attached by ClinVar (database versions not stated): gnomAD exomes below 0.00001; TOPMed below 0.00001; gnomAD 0.00001.
gnomAD v4.1: 4 of 1,613,700 alleles (0.00025%); highest among the groups gnomAD compares: Non-Finnish European, 0.00034%; no homozygotes.

Submission:

Labcorp Genetics (formerly Invitae), Labcorp
Classification: Uncertain significance for Emery-Dreifuss muscular dystrophy 4, autosomal dominant; Autosomal recessive ataxia, Beauce type. Last evaluated: 2021-08-31. Review status: criteria provided, single submitter. Criteria: Invitae Variant Classification Sherloc (09022015). Collection method: clinical testing. Allele origin: germline.
Comment: This sequence change replaces lysine with glutamic acid at codon 7541 of the SYNE1 protein (p.Lys7541Glu). The lysine residue is highly conserved and there is a small physicochemical difference between lysine and glutamic acid. This variant is not present in population databases (ExAC no frequency). This variant has not been reported in the literature in individuals affected with SYNE1-related conditions. Algorithms developed to predict the effect of missense changes on protein structure and function (SIFT, PolyPhen-2, Align-GVGD) all suggest that this variant is likely to be disruptive. In summary, the available evidence is currently insufficient to determine the role of this variant in disease. Therefore, it has been classified as a Variant of Uncertain Significance.